The following is an entry in ClinVar:

NM_001372066.1(TFAP2A):c.472A>G (p.Ile158Val)

Gene: TFAP2A (transcription factor AP-2 alpha; minus strand). Cytogenetic location: 6p24.3.
Variant type: single nucleotide variant.
Coding change: c.472A>G on transcript NM_001372066.1 (MANE Select); coding-DNA position 472, A replaced by G.
Protein change: p.Ile158Val; replaces isoleucine 158 with valine.
Molecular consequence: missense variant.
Genome position (GRCh38, 1-based): chr6:10,409,915, T>C on the plus strand (A>G on the coding strand, the complement: TFAP2A is on the minus strand). VCF-style: chr6-10409915-T-C. GRCh37 (hg19) VCF-style: chr6-10410148-T-C.
Other names: NM_003220.2:c.466A>G; c.448A>G, p.Ile150Val (NM_001032280.3); c.454A>G, p.Ile152Val (NM_001042425.3); short protein forms I150V, I152V, I158V.
Identifiers: ClinVar variation 3707910 (VCV003707910.3).

ClinVar aggregate classification (germline): Likely benign. Review status: criteria provided, multiple submitters, no conflicts (2 of 4 stars). 2 submissions from 2 submitters: Likely benign (2). Last evaluated 2025-05-29.

Conditions:
TFAP2A-related disorder. Also called: TFAP2A-related condition.

gnomAD v4.1: 69 of 1,549,582 alleles (0.0045%); highest among the groups gnomAD compares: Middle Eastern, 0.017%; no homozygotes.

Submissions (2):

PreventionGenetics, part of Exact Sciences
Classification: Likely benign for TFAP2A-related condition. Last evaluated: 2025-05-29. Review status: criteria provided, single submitter. Criteria: ACMG Guidelines, 2015. Collection method: clinical testing. Allele origin: germline.
Comment: This variant is classified as likely benign based on ACMG/AMP sequence variant interpretation guidelines (Richards et al. 2015 PMID: 25741868, with internal and published modifications).

Labcorp Genetics (formerly Invitae), Labcorp
Classification: Likely benign. Last evaluated: 2024-04-25. Review status: criteria provided, single submitter. Criteria: Invitae Variant Classification Sherloc (09022015). Collection method: clinical testing. Allele origin: germline.